The following is an entry in ClinVar:

ClinVar aggregate classification (germline): Uncertain significance. Review status: criteria provided, multiple submitters, no conflicts (2 of 4 stars). 2 submissions from 2 submitters: Uncertain significance (2). Last evaluated 2023-12-11.

Conditions:
Hereditary sensory and autonomic neuropathy type 6. Also called: Neuropathy, hereditary sensory and autonomic, type VI; HSAN VI. Identifiers: Orphanet 314381, MedGen C3539003, MONDO:0013839, OMIM 614653.
Epidermolysis bullosa simplex 3, localized or generalized intermediate, with BP230 deficiency (EBS3). Also called: Epidermolysis bullosa simplex, autosomal recessive 2; Epidermolysis bullosa simplex due to BP230 deficiency. Identifiers: Orphanet 412181, MedGen C3809470, MONDO:0014180, OMIM 615425.

Allele frequency attached by ClinVar (database versions not stated): gnomAD exomes 0.00001 and 0.00002; ExAC 0.00003; TOPMed 0.00003; gnomAD 0.00004.
gnomAD v4.1: 12 of 1,613,750 alleles (0.00074%); highest among the groups gnomAD compares: Middle Eastern, 0.016%; no homozygotes.

Submissions (2):

Labcorp Genetics (formerly Invitae), Labcorp
Classification: Uncertain significance for Epidermolysis bullosa simplex 3, localized or generalized intermediate, with BP230 deficiency; Hereditary sensory and autonomic neuropathy type 6. Last evaluated: 2023-12-11. Review status: criteria provided, single submitter. Criteria: Invitae Variant Classification Sherloc (09022015). Collection method: clinical testing. Allele origin: germline.
Comment: The DST gene has multiple clinically relevant transcripts. This variant occurs in alternate transcript NM_015548.4, and corresponds to NM_001723.5:c.*87930G>A in the primary transcript. This sequence change replaces cysteine, which is neutral and slightly polar, with tyrosine, which is neutral and polar, at codon 3320 of the DST protein (p.Cys3320Tyr). This variant is present in population databases (rs746922445, gnomAD 0.01%). This variant has not been reported in the literature in individuals affected with DST-related conditions. Experimental studies and prediction algorithms are not available or were not evaluated, and the functional significance of this variant is currently unknown. In summary, the available evidence is currently insufficient to determine the role of this variant in disease. Therefore, it has been classified as a Variant of Uncertain Significance.

Mayo Clinic Laboratories, Mayo Clinic
Classification: Uncertain significance. Last evaluated: 2023-10-16. Review status: criteria provided, single submitter. Criteria: ACMG Guidelines, 2015. Collection method: clinical testing. Allele origin: germline. Observed: 1 variant allele.
Comment: BP4, PM2_moderate

NM_001374736.1(DST):c.17828G>A (p.Cys5943Tyr)

Gene: DST (dystonin; minus strand). Cytogenetic location: 6p12.1.
Variant type: single nucleotide variant.
Coding change: c.17828G>A on transcript NM_001374736.1 (MANE Select); coding-DNA position 17828, G replaced by A.
Protein change: p.Cys5943Tyr; replaces cysteine 5943 with tyrosine.
Molecular consequence: missense variant.
Genome position (GRCh38, 1-based): chr6:56,527,587, C>T on the plus strand (G>A on the coding strand, the complement: DST is on the minus strand). VCF-style: chr6-56527587-C-T. GRCh37 (hg19) VCF-style: chr6-56392385-C-T.
Other names: p.Cys3320Tyr; c.11471G>A, p.Cys3824Tyr (NM_001144769.5); c.11057G>A, p.Cys3686Tyr (NM_001144770.2); c.17828G>A, p.Cys5943Tyr (NM_001374722.1); c.16868G>A, p.Cys5623Tyr (NM_001374729.1); c.10610G>A, p.Cys3537Tyr (NM_001374730.1); c.17855G>A, p.Cys5952Tyr (NM_001374734.1); c.10937G>A, p.Cys3646Tyr (NM_001386100.1, NM_183380.4); and 1 more; short protein forms C3320Y, C3646Y, C3824Y, C5623Y, C3686Y, C5952Y, C3537Y, C5943Y.
Identifiers: ClinVar variation 1412848 (VCV001412848.9), dbSNP rs746922445, ClinGen allele CA3867353.